The following is an entry in ClinVar:

ClinVar aggregate classification (germline): Uncertain significance (1 of 4 stars; one submission).

Submission:

Ambry Genetics
Classification: Uncertain significance. Last evaluated: 2024-10-05. Review status: criteria provided, single submitter. Criteria: Ambry Variant Classification Scheme 2023. Collection method: clinical testing. Allele origin: germline.
Comment: The p.G603A variant (also known as c.1808G>C), located in coding exon 11 of the POLQ gene, results from a G to C substitution at nucleotide position 1808. The glycine at codon 603 is replaced by alanine, an amino acid with similar properties. This amino acid position is conserved. In addition, this alteration is predicted to be tolerated by in silico analysis. Based on the available evidence, the clinical significance of this variant remains unclear.

NM_199420.4(POLQ):c.1808G>C (p.Gly603Ala)

Gene: POLQ (DNA polymerase theta; minus strand). Cytogenetic location: 3q13.33.
Variant type: single nucleotide variant.
Coding change: c.1808G>C on transcript NM_199420.4 (MANE Select); coding-DNA position 1808, G replaced by C.
Protein change: p.Gly603Ala; replaces glycine 603 with alanine.
Molecular consequence: missense variant.
Genome position (GRCh38, 1-based): chr3:121,510,047, C>G on the plus strand (G>C on the coding strand, the complement: POLQ is on the minus strand). VCF-style: chr3-121510047-C-G. GRCh37 (hg19) VCF-style: chr3-121228894-C-G.
Other names: short protein forms G603A.
Identifiers: ClinVar variation 3422583 (VCV003422583.1).